The following is an entry in ClinVar:

NM_015662.3(IFT172):c.909G>A (p.Val303=)

Gene: IFT172 (intraflagellar transport 172; minus strand). Cytogenetic location: 2p23.3.
Variant type: single nucleotide variant.
Coding change: c.909G>A on transcript NM_015662.3 (MANE Select); coding-DNA position 909, G replaced by A.
Protein change: p.Val303=; no amino-acid change (valine 303 retained).
Molecular consequence: synonymous variant.
Genome position (GRCh38, 1-based): chr2:27,480,026, C>T on the plus strand (G>A on the coding strand, the complement: IFT172 is on the minus strand). VCF-style: chr2-27480026-C-T. GRCh37 (hg19) VCF-style: chr2-27702893-C-T.
Other names: c.909G>A (NM_015662.2).
Identifiers: ClinVar variation 1356410 (VCV001356410.7), dbSNP rs139685481, ClinGen allele CA44515318.

ClinVar aggregate classification (germline): Uncertain significance. Review status: criteria provided, multiple submitters, no conflicts (2 of 4 stars). 2 submissions from 2 submitters: Uncertain significance (2). Last evaluated 2024-09-13.

Conditions:
Retinitis pigmentosa 71 (RP71). Identifiers: Orphanet 791, MedGen C4225342, MONDO:0014618, OMIM 616394.
Short-rib thoracic dysplasia 10 with or without polydactyly (SRTD10). Identifiers: Orphanet 474, MedGen C3810175, MONDO:0014284, OMIM 615630.

Allele frequency attached by ClinVar (database versions not stated): gnomAD 0.00001; TOPMed 0.00001; ESP Exome Variant Server 0.00008.

Submissions (2):

GeneDx
Classification: Uncertain significance. Last evaluated: 2024-09-13. Review status: criteria provided, single submitter. Criteria: GeneDx Variant Classification Process June 2021. Collection method: clinical testing. Allele origin: germline. Affected: yes.
Comment: Not observed at significant frequency in large population cohorts (gnomAD); In silico analysis supports a deleterious effect on splicing; Has not been previously published as pathogenic or benign to our knowledge

Labcorp Genetics (formerly Invitae), Labcorp
Classification: Uncertain significance for Retinitis pigmentosa 71; Short-rib thoracic dysplasia 10 with or without polydactyly. Last evaluated: 2021-05-26. Review status: criteria provided, single submitter. Criteria: Invitae Variant Classification Sherloc (09022015). Collection method: clinical testing. Allele origin: germline.
Comment: This variant is not present in population databases (ExAC no frequency). This sequence change affects codon 303 of the IFT172 mRNA. It is a 'silent' change, meaning that it does not change the encoded amino acid sequence of the IFT172 protein. This variant also falls at the last nucleotide of exon 9, which is part of the consensus splice site for this exon. Nucleotide substitutions within the consensus splice site are a relatively common cause of aberrant splicing (PMID: 17576681, 9536098). Algorithms developed to predict the effect of sequence changes on RNA splicing suggest that this variant may disrupt the consensus splice site, but this prediction has not been confirmed by published transcriptional studies. This variant has not been reported in the literature in individuals with IFT172-related conditions. In summary, the available evidence is currently insufficient to determine the role of this variant in disease. Therefore, it has been classified as a Variant of Uncertain Significance.

Literature cited by the submitters: PubMed 17576681 (cited by Labcorp Genetics (formerly Invitae), Labcorp); PubMed 9536098 (cited by Labcorp Genetics (formerly Invitae), Labcorp).